The following is an entry in ClinVar:

ClinVar aggregate classification (germline): Uncertain significance (1 of 4 stars; one submission).

Conditions:
Hereditary cancer-predisposing syndrome. Also called: Neoplastic Syndromes, Hereditary; Tumor predisposition; Hereditary Cancer Syndrome; Hereditary neoplastic syndrome. Identifiers: Orphanet 140162, MedGen C0027672, MeSH D009386, MONDO:0015356.

Submission:

Ambry Genetics
Classification: Uncertain significance for Hereditary cancer-predisposing syndrome. Last evaluated: 2024-12-10. Review status: criteria provided, single submitter. Criteria: Ambry Variant Classification Scheme 2023. Collection method: clinical testing. Allele origin: germline.
Comment: The p.A186G variant (also known as c.557C>G), located in coding exon 6 of the POLE gene, results from a C to G substitution at nucleotide position 557. The alanine at codon 186 is replaced by glycine, an amino acid with similar properties. This amino acid position is conserved. In addition, this alteration is predicted to be tolerated by in silico analysis. Based on the available evidence, the clinical significance of this variant remains unclear.

NM_006231.4(POLE):c.557C>G (p.Ala186Gly)

Gene: POLE (DNA polymerase epsilon, catalytic subunit; minus strand). Cytogenetic location: 12q24.33.
Variant type: single nucleotide variant.
Coding change: c.557C>G on transcript NM_006231.4 (MANE Select); coding-DNA position 557, C replaced by G.
Protein change: p.Ala186Gly; replaces alanine 186 with glycine.
Molecular consequence: missense variant.
Genome position (GRCh38, 1-based): chr12:132,679,518, G>C on the plus strand (C>G on the coding strand, the complement: POLE is on the minus strand). VCF-style: chr12-132679518-G-C. GRCh37 (hg19) VCF-style: chr12-133256104-G-C.
Other names: short protein forms A186G.
Identifiers: ClinVar variation 3422080 (VCV003422080.1).